The following is an entry in ClinVar:

ClinVar aggregate classification (germline): Likely benign. Review status: criteria provided, multiple submitters, no conflicts (2 of 4 stars). 3 submissions from 3 submitters: Likely benign (3). Last evaluated 2024-10-21.

Conditions:
Malignant hyperthermia, susceptibility to, 1 (MHS1). Also called: Malignant hyperthermia suceptibility 1; Anesthesia related hyperthermia; Malignant hyperpyrexia; Fulminating hyperpyrexia; Pharmacogenic myopathy; RYR1-Related Malignant Hyperthermia Susceptibility. Identifiers: Orphanet 423, MedGen C2930980, MONDO:0007783, OMIM 145600.
RYR1-related disorder. Also called: RYR1-related disorders; RYR1-related condition. Identifiers: MedGen CN239331.

Allele frequency attached by ClinVar (database versions not stated): gnomAD 0.00003; TOPMed 0.00006; gnomAD exomes 0.00009; ExAC 0.00014.
gnomAD v4.1: 44 of 1,611,852 alleles (0.0027%); highest among the groups gnomAD compares: Middle Eastern, 0.017%; no homozygotes.

Submissions (3):

Labcorp Genetics (formerly Invitae), Labcorp
Classification: Likely benign for RYR1-related disorder. Last evaluated: 2024-10-21. Review status: criteria provided, single submitter. Criteria: Invitae Variant Classification Sherloc (09022015). Collection method: clinical testing. Allele origin: germline.

CeGaT Center for Human Genetics Tuebingen
Classification: Likely benign. Last evaluated: 2023-01-01. Review status: criteria provided, single submitter. Criteria: CeGaT Center For Human Genetics Tuebingen Variant Classification Criteria Version 2. Collection method: clinical testing. Allele origin: germline. Affected: yes. Observed: 1 variant allele.
Comment: RYR1: BP4, BP7

Color Diagnostics, LLC DBA Color Health
Classification: Likely benign for Malignant hyperthermia, susceptibility to, 1. Last evaluated: 2022-11-06. Review status: criteria provided, single submitter. Criteria: ACMG Guidelines, 2015. Collection method: clinical testing. Allele origin: germline.

NM_000540.3(RYR1):c.159C>T (p.Asn53=)

Gene: RYR1 (ryanodine receptor 1; plus strand). Cytogenetic location: 19q13.2.
Variant type: single nucleotide variant.
Coding change: c.159C>T on transcript NM_000540.3 (MANE Select); coding-DNA position 159, C replaced by T.
Protein change: p.Asn53=; no amino-acid change (asparagine 53 retained).
Molecular consequence: synonymous variant.
Genome position (GRCh38, 1-based): chr19:38,440,858, C>T. VCF-style: chr19-38440858-C-T. GRCh37 (hg19) VCF-style: chr19-38931498-C-T.
Other names: c.159C>T, p.Asn53= (NM_001042723.2).
Identifiers: ClinVar variation 478206 (VCV000478206.35), dbSNP rs780591516, ClinGen allele CA062185.